The following is an entry in ClinVar:

ClinVar aggregate classification (germline): Pathogenic (1 of 4 stars; one submission).

Conditions:
Autosomal recessive limb-girdle muscular dystrophy type 2Y (MRRSDC). Also called: Muscular dystrophy, limb-girdle, type 2y; Muscular dystrophy, autosomal recessive, with rigid spine and distal joint contractures. Identifiers: Orphanet 424261, MedGen C4511482, MONDO:0014900, OMIM 617072.

Allele frequency attached by ClinVar (database versions not stated): gnomAD 0.00001.

Submission:

Labcorp Genetics (formerly Invitae), Labcorp
Classification: Pathogenic for Autosomal recessive limb-girdle muscular dystrophy type 2Y. Last evaluated: 2024-10-17. Review status: criteria provided, single submitter. Criteria: Invitae Variant Classification Sherloc (09022015). Collection method: clinical testing. Allele origin: germline.
Comment: This sequence change creates a premature translational stop signal (p.Ser50*) in the TOR1AIP1 gene. It is expected to result in an absent or disrupted protein product. Loss-of-function variants in TOR1AIP1 are known to be pathogenic (PMID: 24856141, 27342937). This variant is not present in population databases (gnomAD no frequency). This variant has not been reported in the literature in individuals affected with TOR1AIP1-related conditions. ClinVar contains an entry for this variant (Variation ID: 1454229). For these reasons, this variant has been classified as Pathogenic.

Literature cited by the submitters: PubMed 24856141; PubMed 27342937.

NM_015602.4(TOR1AIP1):c.149C>A (p.Ser50Ter)

Genes: TOR1AIP1 (torsin 1A interacting protein 1; plus strand), LOC112577517 (Sharpr-MPRA regulatory region 13766; plus strand). Cytogenetic location: 1q25.2.
Variant type: single nucleotide variant.
Coding change: c.149C>A on transcript NM_015602.4 (MANE Select); coding-DNA position 149, C replaced by A.
Protein change: p.Ser50Ter; replaces serine 50 with a stop codon.
Molecular consequence: nonsense.
Genome position (GRCh38, 1-based): chr1:179,882,651, C>A. VCF-style: chr1-179882651-C-A. GRCh37 (hg19) VCF-style: chr1-179851786-C-A.
Other names: c.149C>A, p.Ser50Ter (NM_001267578.2); short protein forms S50*.
Identifiers: ClinVar variation 1454229 (VCV001454229.6), dbSNP rs374232191, ClinGen allele CA33712211.